The following is an entry in ClinVar:

ClinVar aggregate classification (germline): Uncertain significance (1 of 4 stars; one submission).

Allele frequency attached by ClinVar (database versions not stated): ExAC 0.00001; gnomAD 0.00003; TOPMed 0.00003.
gnomAD v4.1: 20 of 1,408,956 alleles (0.0014%); highest among the groups gnomAD compares: African/African-American, 0.0086%; no homozygotes.

Submission:

Labcorp Genetics (formerly Invitae), Labcorp
Classification: Uncertain significance. Last evaluated: 2023-09-25. Review status: criteria provided, single submitter. Criteria: Invitae Variant Classification Sherloc (09022015). Collection method: clinical testing. Allele origin: germline.
Comment: This sequence change affects codon 645 of the PLK4 mRNA. It is a 'silent' change, meaning that it does not change the encoded amino acid sequence of the PLK4 protein. This variant also falls at the last nucleotide of exon 8, which is part of the consensus splice site for this exon. This variant is present in population databases (rs745315208, gnomAD 0.009%). This variant has not been reported in the literature in individuals affected with PLK4-related conditions. ClinVar contains an entry for this variant (Variation ID: 1955714). Variants that disrupt the consensus splice site are a relatively common cause of aberrant splicing (PMID: 17576681, 9536098). Algorithms developed to predict the effect of sequence changes on RNA splicing suggest that this variant may create or strengthen a splice site. In summary, the available evidence is currently insufficient to determine the role of this variant in disease. Therefore, it has been classified as a Variant of Uncertain Significance.

Literature cited by the submitters: PubMed 17576681; PubMed 9536098.

NM_014264.5(PLK4):c.1935G>A (p.Thr645=)

Gene: PLK4 (polo like kinase 4; plus strand). Cytogenetic location: 4q28.1.
Variant type: single nucleotide variant.
Coding change: c.1935G>A on transcript NM_014264.5 (MANE Select); coding-DNA position 1935, G replaced by A.
Protein change: p.Thr645=; no amino-acid change (threonine 645 retained).
Molecular consequence: synonymous variant.
Genome position (GRCh38, 1-based): chr4:127,891,196, G>A. VCF-style: chr4-127891196-G-A. GRCh37 (hg19) VCF-style: chr4-128812351-G-A.
Other names: c.1839G>A, p.Thr613= (NM_001190799.2); c.1812G>A, p.Thr604= (NM_001190801.2).
Identifiers: ClinVar variation 1955714 (VCV001955714.3), dbSNP rs745315208, ClinGen allele CA3076890.